The following is an entry in ClinVar:

ClinVar aggregate classification (germline): Likely benign. Review status: criteria provided, multiple submitters, no conflicts (2 of 4 stars). 3 submissions from 3 submitters: Likely benign (3). Last evaluated 2025-01-01.

Conditions:
Dilated cardiomyopathy 1JJ (CMD1JJ). Identifiers: Orphanet 154, MedGen C3808935, MONDO:0014095, OMIM 615235.
Cardiovascular phenotype. Identifiers: MedGen CN230736.

Allele frequency attached by ClinVar (database versions not stated): gnomAD 0.00001 and below 0.00001; ExAC 0.00002; TOPMed below 0.00001; gnomAD exomes 0.00006 and 0.00003.
gnomAD v4.1: 43 of 1,613,840 alleles (0.0027%); highest among the groups gnomAD compares: South Asian, 0.043%; 2 homozygotes.

Submissions (3):

Labcorp Genetics (formerly Invitae), Labcorp
Classification: Likely benign for Dilated cardiomyopathy 1JJ. Last evaluated: 2025-01-01. Review status: criteria provided, single submitter. Criteria: Invitae Variant Classification Sherloc (09022015). Collection method: clinical testing. Allele origin: germline.

Ambry Genetics
Classification: Likely benign for Cardiovascular phenotype. Last evaluated: 2023-01-15. Review status: criteria provided, single submitter. Criteria: Ambry Variant Classification Scheme 2023. Collection method: clinical testing. Allele origin: germline.

GeneDx
Classification: Likely benign. Last evaluated: 2016-06-16. Review status: criteria provided, single submitter. Criteria: GeneDx Variant Classification (06012015). Collection method: clinical testing. Allele origin: germline. Affected: yes.
Comment: This variant is considered likely benign or benign based on one or more of the following criteria: it is a conservative change, it occurs at a poorly conserved position in the protein, it is predicted to be benign by multiple in silico algorithms, and/or has population frequency not consistent with disease.

NM_001105206.3(LAMA4):c.381A>G (p.Gln127=)

Gene: LAMA4 (laminin subunit alpha 4; minus strand). Cytogenetic location: 6q21.
Variant type: single nucleotide variant.
Coding change: c.381A>G on transcript NM_001105206.3 (MANE Select); coding-DNA position 381, A replaced by G.
Protein change: p.Gln127=; no amino-acid change (glutamine 127 retained).
Molecular consequence: synonymous variant.
Genome position (GRCh38, 1-based): chr6:112,207,062, T>C on the plus strand (A>G on the coding strand, the complement: LAMA4 is on the minus strand). VCF-style: chr6-112207062-T-C. GRCh37 (hg19) VCF-style: chr6-112528263-T-C.
Other names: c.381A>G, p.Gln127= (NM_001105207.3, NM_002290.5); c.381A>G (LRG_433t2).
Identifiers: ClinVar variation 387048 (VCV000387048.11), dbSNP rs782751372, ClinGen allele CA3966181.